The following is an entry in ClinVar:

NM_001163435.3(TBCK):c.1220+5G>A

Gene: TBCK (TBC1 domain containing kinase; minus strand). Cytogenetic location: 4q24.
Variant type: single nucleotide variant.
Coding change: c.1220+5G>A on transcript NM_001163435.3 (MANE Select); 5 bases into the intron after coding-DNA position 1220, G replaced by A.
Molecular consequence: intron variant.
Genome position (GRCh38, 1-based): chr4:106,236,754, C>T on the plus strand (G>A on the coding strand, the complement: TBCK is on the minus strand). VCF-style: chr4-106236754-C-T. GRCh37 (hg19) VCF-style: chr4-107157911-C-T.
Other names: c.1220+5G>A (NM_001163436.4); c.1031+5G>A (NM_033115.5); c.1103+5G>A (NM_001163437.3); c.704+5G>A (NM_001290768.2).
Identifiers: ClinVar variation 1033750 (VCV001033750.1), dbSNP rs1759516319, ClinGen allele CA1483150138.
Genomic context (GRCh38, chr4:106,236,754, plus strand): 5'-AATTCTTATAAATCTAATATAAATAGAAAGAAAAATAAATCTAAAATGAGACTACATATA[C>T]TCACTCATCTTCAAGTAATGGGTAAAATGCTTCTCCACCAACATCTTTCAATCTCTGTGT-3'

ClinVar aggregate classification (germline): Uncertain significance (1 of 4 stars; one submission).

Conditions:
Hypotonia, infantile, with psychomotor retardation and characteristic facies 3 (IHPRF3). Also called: TBCK-Related Neurodevelopmental Disorder. Identifiers: Orphanet 488632, MedGen C5567480, MONDO:0014823, OMIM 616900.

gnomAD v4.1: 1 of 1,474,224 alleles (0.000068%); highest among the groups gnomAD compares: Non-Finnish European, 0.000091%; no homozygotes.

Submission:

Baylor Genetics
Classification: Uncertain significance for Hypotonia, infantile, with psychomotor retardation and characteristic facies 3. Last evaluated: 2018-12-23. Review status: criteria provided, single submitter. Criteria: ACMG Guidelines, 2015. Collection method: clinical testing. Allele origin: unknown. Affected: yes.
Comment: This variant was determined to be of uncertain significance according to ACMG Guidelines, 2015 [PMID:25741868].